The following is an entry in ClinVar:

ClinVar aggregate classification (germline): Benign/Likely benign. Review status: criteria provided, multiple submitters, no conflicts (2 of 4 stars). 7 submissions from 7 submitters: Benign (2); Likely benign (3). 2 of the submissions do not count toward it. Last evaluated 2026-01-25.

Conditions:
Familial cold autoinflammatory syndrome 2 (FCAS2). Identifiers: Orphanet 247868, MedGen C2673198, MONDO:0012724, OMIM 611762.
Autoinflammatory syndrome. Identifiers: Orphanet 93665, MedGen C3890737, MONDO:0019751.

Allele frequency attached by ClinVar (database versions not stated): ESP Exome Variant Server 0.00054; TOPMed 0.00059; 1000 Genomes Project 30x 0.00094; 1000 Genomes Project 0.00120; gnomAD exomes 0.00197 and 0.00336; gnomAD 0.00269 and 0.00278; ExAC 0.00282.

Submissions (7):

Labcorp Genetics (formerly Invitae), Labcorp
Classification: Benign for Familial cold autoinflammatory syndrome 2. Last evaluated: 2026-01-25. Review status: criteria provided, single submitter. Criteria: Invitae Variant Classification Sherloc (09022015). Collection method: clinical testing. Allele origin: germline.

Blueprint Genetics
Classification: Likely benign. Last evaluated: 2024-11-27. Review status: criteria provided, single submitter. Criteria: ACMG Guidelines, 2015. Collection method: clinical testing. Allele origin: germline.

ARUP Laboratories, Molecular Genetics and Genomics, ARUP Laboratories
Classification: Benign for Familial cold autoinflammatory syndrome 2. Last evaluated: 2024-08-05. Review status: criteria provided, single submitter. Criteria: ARUP Molecular Germline Variant Investigation Process 2024. Collection method: clinical testing. Allele origin: germline.

CeGaT Center for Human Genetics Tuebingen
Classification: Likely benign. Last evaluated: 2024-05-01. Review status: criteria provided, single submitter. Criteria: CeGaT Center For Human Genetics Tuebingen Variant Classification Criteria Version 2. Collection method: clinical testing. Allele origin: germline. Affected: yes. Observed: 2 variant alleles.
Comment: NLRP12: BP4, BS1

Genome Diagnostics Laboratory, The Hospital for Sick Children
Classification: Likely benign for Autoinflammatory syndrome. Last evaluated: 2018-04-01. Review status: criteria provided, single submitter. Criteria: ACMG Guidelines, 2015. Collection method: clinical testing. Allele origin: germline. Affected: yes.

Clinical Genetics DNA and cytogenetics Diagnostics Lab, Erasmus MC, Erasmus Medical Center
Classification: Likely benign. Review status: no assertion criteria provided. Collection method: clinical testing. Allele origin: germline. Affected: yes. Study: VKGL Data-share Consensus. Not counted in ClinVar's aggregate classification.

Genome Diagnostics Laboratory, University Medical Center Utrecht
Classification: Likely benign. Review status: no assertion criteria provided. Collection method: clinical testing. Allele origin: germline. Affected: yes. Study: VKGL Data-share Consensus. Not counted in ClinVar's aggregate classification.

NM_144687.4(NLRP12):c.2141A>G (p.Asn714Ser)

Gene: NLRP12 (NLR family pyrin domain containing 12; minus strand). Cytogenetic location: 19q13.42.
Variant type: single nucleotide variant.
Coding change: c.2141A>G on transcript NM_144687.4 (MANE Select); coding-DNA position 2141, A replaced by G.
Protein change: p.Asn714Ser; replaces asparagine 714 with serine.
Molecular consequence: missense variant.
Genome position (GRCh38, 1-based): chr19:53,807,597, T>C on the plus strand (A>G on the coding strand, the complement: NLRP12 is on the minus strand). VCF-style: chr19-53807597-T-C. GRCh37 (hg19) VCF-style: chr19-54310851-T-C.
Other names: c.2144A>G, p.Asn715Ser (NM_001277126.2); c.2141A>G, p.Asn714Ser (NM_001277129.1); short protein forms N715S, N714S.
Identifiers: ClinVar variation 330026 (VCV000330026.46), dbSNP rs150848917, ClinGen allele CA9639213.